The following is an entry in ClinVar:

NM_000053.4(ATP7B):c.315G>A (p.Ser105=)

Gene: ATP7B (ATPase copper transporting beta; minus strand). Cytogenetic location: 13q14.3.
Variant type: single nucleotide variant.
Coding change: c.315G>A on transcript NM_000053.4 (MANE Select); coding-DNA position 315, G replaced by A.
Protein change: p.Ser105=; no amino-acid change (serine 105 retained).
Molecular consequence: synonymous variant.
Genome position (GRCh38, 1-based): chr13:51,974,905, C>T on the plus strand (G>A on the coding strand, the complement: ATP7B is on the minus strand). VCF-style: chr13-51974905-C-T. GRCh37 (hg19) VCF-style: chr13-52549041-C-T.
Other names: c.315G>A, p.Ser105= (NM_001005918.3, NM_001243182.2, NM_001330578.2 and 30 more transcripts); c.219G>A, p.Ser73= (NM_001406517.1, NM_001406518.1, NM_001406530.1 and 4 more transcripts).
Identifiers: ClinVar variation 2150926 (VCV002150926.5), dbSNP rs765714358, ClinGen allele CA6989587.

ClinVar aggregate classification (germline): Likely benign. Review status: criteria provided, multiple submitters, no conflicts (2 of 4 stars). 2 submissions from 2 submitters: Likely benign (2). Last evaluated 2025-11-23.

Conditions:
Wilson disease (WND). Also called: Wilson's disease. Identifiers: Orphanet 905, MedGen C0019202, MONDO:0010200, OMIM 277900. Disease mechanism: loss of function.

Allele frequency attached by ClinVar (database versions not stated): ExAC 0.00001; TOPMed 0.00001.

Submissions (2):

Labcorp Genetics (formerly Invitae), Labcorp
Classification: Likely benign for Wilson disease. Last evaluated: 2025-11-23. Review status: criteria provided, single submitter. Criteria: Invitae Variant Classification Sherloc (09022015). Collection method: clinical testing. Allele origin: germline.

All of Us Research Program, National Institutes of Health
Classification: Likely benign for Wilson disease. Last evaluated: 2023-05-16. Review status: criteria provided, single submitter. Criteria: ACMG Guidelines, 2015. Collection method: clinical testing. Allele origin: germline. Inheritance: Autosomal recessive inheritance. Observed: 1 variant allele, 1 heterozygote.
Comment: This study involves interpretation of variants in research participants for the purpose of population health screening. Participant phenotype was not available at the time of variant classification. Additional details can be found in publication PMID: 35346344, PMCID: PMC8962531